The following is an entry in ClinVar:

ClinVar aggregate classification (germline): Conflicting classifications of pathogenicity. Review status: criteria provided, conflicting classifications (1 of 4 stars). 13 submissions from 13 submitters: Uncertain significance (5); Benign (2); Likely benign (1). 5 of the submissions do not count toward it. Last evaluated 2026-08-06.

Conditions:
Inherited obesity. Also called: Monogenic Obesity. Identifiers: Orphanet 77828, MedGen C4054476, MONDO:0019182, OMIM 601665.
Obesity due to pro-opiomelanocortin deficiency. Also called: OBESITY, EARLY-ONSET, WITH ADRENAL INSUFFICIENCY AND RED HAIR; PROOPIOMELANOCORTIN DEFICIENCY; Obesity, adrenal insufficiency, and red hair due to POMC deficiency. Identifiers: Orphanet 71526, MedGen C1857854, MONDO:0012335, OMIM 609734.
POMC-related disorder. Also called: POMC-related disorders; POMC-related condition.
Obesity, early-onset, susceptibility to. Identifiers: MedGen C4016341.

Allele frequency attached by ClinVar (database versions not stated): 1000 Genomes Project 30x 0.00250; gnomAD exomes 0.00269; gnomAD 0.00279 and 0.00286; TOPMed 0.00357; ExAC 0.00231; 1000 Genomes Project 0.00240.
gnomAD v4.1: 7,002 of 1,613,852 alleles (0.43%); highest among the groups gnomAD compares: Non-Finnish European, 0.52%; 29 homozygotes.

Submissions (13):

OLLIN Analises Genomicas, OLLIN
Classification: Uncertain significance for Obesity due to pro-opiomelanocortin deficiency. Last evaluated: 2026-08-06. Review status: criteria provided, single submitter. Criteria: ACMG Guidelines 2015 PMID 25741868. Collection method: clinical testing. Allele origin: germline.
Comment: This missense variant, located in exon 3 (of 3), has been reported in ClinVar (accession VCV000013356.37) and in gnomAD with an allele frequency of 0.43%. However, to our knowledge, it has not been reported in the scientific literature. In silico analysis predicts that this variant has a deleterious effect. According to the currently available evidence, this variant has been classified as uncertain significance (PP3_M).

Labcorp Genetics (formerly Invitae), Labcorp
Classification: Benign. Last evaluated: 2026-01-13. Review status: criteria provided, single submitter. Criteria: Invitae Variant Classification Sherloc (09022015). Collection method: clinical testing. Allele origin: germline.

GeneDx
Classification: Uncertain significance. Last evaluated: 2025-06-29. Review status: criteria provided, single submitter. Criteria: GeneDx Variant Classification Process June 2021. Collection method: clinical testing. Allele origin: germline. Affected: yes.
Comment: Observed in the heterozygous state in multiple individuals with obesity (PMID: 11244459, 12165561, 15951321, 16459314, 18697863, 18091355, 26530524, 28377240); Published functional studies demonstrate a damaging effect (expression of an abnormal fusion protein that interferes with MC4R signaling) (PMID: 12165561); In silico analysis supports that this missense variant has a deleterious effect on protein structure/function; Observed in control populations; however, the frequency appears to be higher in individuals with obesity, and R236G is felt to confer an increased risk for obesity (PMID: 26530524); This variant is associated with the following publications: (PMID: 22643178, 28377240, 16459314, 16094248, 23028917, 16682835, 12165561, 18697863, 29970488, 17623013, 15951321, 19466204, 18091355, 31650404, 34426522, 35574020, 35562395, 35654930, 36775011, 11244459, 26530524)

CeGaT Center for Human Genetics Tuebingen
Classification: Likely benign. Last evaluated: 2025-05-01. Review status: criteria provided, single submitter. Criteria: CeGaT Center For Human Genetics Tuebingen Variant Classification Criteria Version 2. Collection method: clinical testing. Allele origin: germline. Affected: yes. Observed: 2 variant alleles.
Comment: POMC: BS1

Blueprint Genetics
Classification: Uncertain significance. Last evaluated: 2024-11-11. Review status: criteria provided, single submitter. Criteria: ACMG Guidelines, 2015. Collection method: clinical testing. Allele origin: germline.

New York Genome Center
Classification: Uncertain significance for Inherited obesity; Obesity due to pro-opiomelanocortin deficiency. Last evaluated: 2023-01-26. Review status: criteria provided, single submitter. Criteria: NYGC Assertion Criteria 2020. Collection method: clinical testing. Allele origin: germline. Observed: 1 variant allele, 4 heterozygotes. Clinical features observed: Hyperlipidemia (HP:0003077), Type 2 diabetes mellitus (HP:0005978), Hepatic steatosis (HP:0001397).

Institute of Human Genetics, University of Leipzig Medical Center
Classification: Uncertain significance for Obesity due to pro-opiomelanocortin deficiency. Last evaluated: 2022-12-21. Review status: criteria provided, single submitter. Criteria: ACMG Guidelines, 2015. Collection method: clinical testing. Allele origin: unknown. Affected: yes.
Comment: _x000D_ Criteria applied: PS3_SUP, PS4_SUP, PP1, PP3

Mendelics
Classification: Benign for Obesity due to pro-opiomelanocortin deficiency. Last evaluated: 2019-05-28. Review status: criteria provided, single submitter. Criteria: Mendelics Assertion Criteria 2017. Collection method: clinical testing. Allele origin: unknown.

PreventionGenetics, part of Exact Sciences
Classification: Likely benign for POMC-related condition. Last evaluated: 2024-01-31. Review status: no assertion criteria provided. Collection method: clinical testing. Allele origin: germline. Not counted in ClinVar's aggregate classification.
Comment: This variant is classified as likely benign based on ACMG/AMP sequence variant interpretation guidelines (Richards et al. 2015 PMID: 25741868, with internal and published modifications).

OMIM
Classification: risk factor for OBESITY, EARLY-ONSET, SUSCEPTIBILITY TO. Last evaluated: 2002-08-15. Review status: no assertion criteria provided. Collection method: literature only. Allele origin: germline. Not counted in ClinVar's aggregate classification.

Clinical Genetics, Academic Medical Center
Classification: Pathogenic. Review status: no assertion criteria provided. Collection method: clinical testing. Allele origin: germline. Affected: yes. Study: VKGL Data-share Consensus. Not counted in ClinVar's aggregate classification.

Diagnostic Laboratory, Department of Genetics, University Medical Center Groningen
Classification: Pathogenic. Review status: no assertion criteria provided. Collection method: clinical testing. Allele origin: germline. Affected: yes. Study: VKGL Data-share Consensus. Not counted in ClinVar's aggregate classification.

Genome Diagnostics Laboratory, University Medical Center Utrecht
Classification: Pathogenic. Review status: no assertion criteria provided. Collection method: clinical testing. Allele origin: germline. Affected: yes. Study: VKGL Data-share Consensus. Not counted in ClinVar's aggregate classification.

Literature cited by the submitters: PubMed 12165561 (cited by OMIM).

NM_000939.4(POMC):c.706C>G (p.Arg236Gly)

Gene: POMC (proopiomelanocortin; minus strand). Cytogenetic location: 2p23.3.
Variant type: single nucleotide variant.
Coding change: c.706C>G on transcript NM_000939.4 (MANE Select); coding-DNA position 706, C replaced by G.
Protein change: p.Arg236Gly; replaces arginine 236 with glycine.
Molecular consequence: missense variant.
Genome position (GRCh38, 1-based): chr2:25,161,179, G>C on the plus strand (C>G on the coding strand, the complement: POMC is on the minus strand). VCF-style: chr2-25161179-G-C. GRCh37 (hg19) VCF-style: chr2-25384048-G-C.
Other names: c.706C>G, p.Arg236Gly (NM_001035256.3, NM_001319204.2, NM_001319205.2); c.706C>G (NM_000939.3); short protein forms R236G.
Identifiers: ClinVar variation 13356 (VCV000013356.40), dbSNP rs28932472, ClinGen allele CA123053.